The following is an entry in ClinVar:

NM_007129.5(ZIC2):c.1415_1423dup (p.Val474_His475insProAlaVal)

Gene: ZIC2 (Zic family zinc finger 2; plus strand). Cytogenetic location: 13q32.3.
Variant type: Duplication.
Coding change: c.1415_1423dup on transcript NM_007129.5 (MANE Select); coding-DNA positions 1415 to 1423, 9 bases duplicated (CCGCGGTGC; older notation c.1415_1423dupCCGCGGTGC).
Protein change: p.Val474_His475insProAlaVal.
Molecular consequence: inframe insertion.
Genome position (GRCh38, 1-based): chr13:99,985,498-99,985,506, CCGCGGTGC duplicated. VCF-style (leftmost placement, unchanged base first): chr13-99985497-T-TCCGCGGTGC. GRCh37 (hg19) VCF-style: chr13-100637751-T-TCCGCGGTGC.
Identifiers: ClinVar variation 2831148 (VCV002831148.3), dbSNP rs2501551460, ClinGen allele CA2739277750.

ClinVar aggregate classification (germline): Uncertain significance (1 of 4 stars; one submission).

Conditions:
Holoprosencephaly 5 (HPE5). Identifiers: Orphanet 2162, MedGen C1864827, MONDO:0012322, OMIM 609637.

Submission:

Labcorp Genetics (formerly Invitae), Labcorp
Classification: Uncertain significance for Holoprosencephaly 5. Last evaluated: 2023-11-27. Review status: criteria provided, single submitter. Criteria: Invitae Variant Classification Sherloc (09022015). Collection method: clinical testing. Allele origin: germline.
Comment: This variant, c.1415_1423dup, results in the insertion of 3 amino acid(s) of the ZIC2 protein (p.Val474_His475insProAlaVal), but otherwise preserves the integrity of the reading frame. The frequency data for this variant in the population databases is considered unreliable, as metrics indicate insufficient coverage at this position in the gnomAD database. This variant has not been reported in the literature in individuals affected with ZIC2-related conditions. In summary, the available evidence is currently insufficient to determine the role of this variant in disease. Therefore, it has been classified as a Variant of Uncertain Significance.